The following is an entry in ClinVar:

ClinVar aggregate classification (germline): Uncertain significance (1 of 4 stars; one submission).

Conditions:
Charcot-Marie-Tooth disease axonal type 2P. Also called: Charcot-Marie-Tooth Neuropathy Type 2G; CHARCOT-MARIE-TOOTH DISEASE, AXONAL, TYPE 2G; CMT 2G; CHARCOT-MARIE-TOOTH NEUROPATHY, TYPE 2P. Identifiers: Orphanet 300319, Orphanet 99941, MedGen C3280797, MONDO:0013753, OMIM 614436.

Allele frequency attached by ClinVar (database versions not stated): ExAC 0.00002; gnomAD 0.00005; ESP Exome Variant Server 0.00008; TOPMed 0.00008.
gnomAD v4.1: 14 of 1,614,026 alleles (0.00087%); highest among the groups gnomAD compares: African/African-American, 0.0093%; no homozygotes.

Submission:

Labcorp Genetics (formerly Invitae), Labcorp
Classification: Uncertain significance for Charcot-Marie-Tooth disease axonal type 2P. Last evaluated: 2023-07-09. Review status: criteria provided, single submitter. Criteria: Invitae Variant Classification Sherloc (09022015). Collection method: clinical testing. Allele origin: germline.
Comment: This sequence change replaces arginine, which is basic and polar, with glutamine, which is neutral and polar, at codon 279 of the LRSAM1 protein (p.Arg279Gln). This variant is present in population databases (rs372357453, gnomAD 0.02%). This variant has not been reported in the literature in individuals affected with LRSAM1-related conditions. Advanced modeling of protein sequence and biophysical properties (such as structural, functional, and spatial information, amino acid conservation, physicochemical variation, residue mobility, and thermodynamic stability) performed at Invitae indicates that this missense variant is not expected to disrupt LRSAM1 protein function. In summary, the available evidence is currently insufficient to determine the role of this variant in disease. Therefore, it has been classified as a Variant of Uncertain Significance.

NM_001005373.4(LRSAM1):c.836G>A (p.Arg279Gln)

Gene: LRSAM1 (leucine rich repeat and sterile alpha motif containing 1; plus strand). Cytogenetic location: 9q33.3.
Variant type: single nucleotide variant.
Coding change: c.836G>A on transcript NM_001005373.4 (MANE Select); coding-DNA position 836, G replaced by A.
Protein change: p.Arg279Gln; replaces arginine 279 with glutamine.
Molecular consequence: missense variant. On other transcripts: non-coding transcript variant (2).
Genome position (GRCh38, 1-based): chr9:127,479,438, G>A. VCF-style: chr9-127479438-G-A. GRCh37 (hg19) VCF-style: chr9-130241717-G-A.
Other names: c.836G>A, p.Arg279Gln (NM_001005374.4, NM_001190723.3, NM_001384142.1 and 2 more transcripts); c.47G>A, p.Arg16Gln (NM_001384144.1); short protein forms R16Q, R279Q.
Identifiers: ClinVar variation 2715766 (VCV002715766.3), dbSNP rs372357453, ClinGen allele CA5246723.